The following is an entry in ClinVar:

NM_001010888.4(ZC3H12B):c.2216C>T (p.Ser739Phe)

Gene: ZC3H12B (zinc finger CCCH-type containing 12B; plus strand). Cytogenetic location: Xq12.
Variant type: single nucleotide variant.
Coding change: c.2216C>T on transcript NM_001010888.4 (MANE Select); coding-DNA position 2216, C replaced by T.
Protein change: p.Ser739Phe; replaces serine 739 with phenylalanine.
Molecular consequence: missense variant.
Genome position (GRCh38, 1-based): chrX:65,502,914, C>T. VCF-style: chrX-65502914-C-T. GRCh37 (hg19) VCF-style: chrX-64722794-C-T.
Other names: short protein forms S739F.
Identifiers: ClinVar variation 2327746 (VCV002327746.15), dbSNP rs985114779, ClinGen allele CA329956307.

ClinVar aggregate classification (germline): Conflicting classifications of pathogenicity. Review status: criteria provided, conflicting classifications (1 of 4 stars). 2 submissions from 2 submitters: Uncertain significance (1); Likely benign (1). Last evaluated 2024-12-01.

Allele frequency attached by ClinVar (database versions not stated): gnomAD exomes 0.00003; TOPMed 0.00003; gnomAD 0.00005.
gnomAD v4.1: 33 of 1,209,854 alleles (0.0027%); highest among the groups gnomAD compares: Admixed American, 0.0087%; no homozygotes.

Submissions (2):

CeGaT Center for Human Genetics Tuebingen
Classification: Likely benign. Last evaluated: 2024-12-01. Review status: criteria provided, single submitter. Criteria: CeGaT Center For Human Genetics Tuebingen Variant Classification Criteria Version 2. Collection method: clinical testing. Allele origin: germline. Affected: yes. Observed: 1 variant allele.
Comment: ZC3H12B: BP4, BS2

Ambry Genetics
Classification: Uncertain significance. Last evaluated: 2021-12-14. Review status: criteria provided, single submitter. Criteria: Ambry Variant Classification Scheme 2023. Collection method: clinical testing. Allele origin: germline.